The following is an entry in ClinVar:

ClinVar aggregate classification (germline): Likely benign. Review status: criteria provided, multiple submitters, no conflicts (2 of 4 stars). 4 submissions from 4 submitters: Likely benign (4). Last evaluated 2025-08-14.

Allele frequency attached by ClinVar (database versions not stated): 1000 Genomes Project 30x 0.00141; gnomAD exomes 0.00438 and 0.00633; ExAC 0.00460; gnomAD 0.00496 and 0.00512; TOPMed 0.00496; 1000 Genomes Project 0.00120; ESP Exome Variant Server 0.00568.

Submissions (4):

Ambry Genetics
Classification: Likely benign. Last evaluated: 2025-08-14. Review status: criteria provided, single submitter. Criteria: Ambry Variant Classification Scheme 2023. Collection method: clinical testing. Allele origin: germline.

CeGaT Center for Human Genetics Tuebingen
Classification: Likely benign. Last evaluated: 2022-11-01. Review status: criteria provided, single submitter. Criteria: CeGaT Center For Human Genetics Tuebingen Variant Classification Criteria Version 2. Collection method: clinical testing. Allele origin: germline. Affected: yes. Observed: 1 variant allele.
Comment: GREB1: BP4, BS2

Labcorp Genetics (formerly Invitae), Labcorp
Classification: Likely benign. Last evaluated: 2018-06-20. Review status: criteria provided, single submitter. Criteria: Invitae Variant Classification Sherloc (09022015). Collection method: clinical testing. Allele origin: germline.

Breakthrough Genomics
Classification: Likely benign. Review status: criteria provided, single submitter. Criteria: ACMG Guidelines, 2015. Collection method: not provided. Allele origin: germline. Inheritance: Unknown mechanism. Affected: yes.

NM_014668.4(GREB1):c.3706G>A (p.Ala1236Thr)

Gene: GREB1 (growth regulating estrogen receptor binding 1; plus strand). Cytogenetic location: 2p25.1.
Variant type: single nucleotide variant.
Coding change: c.3706G>A on transcript NM_014668.4 (MANE Select); coding-DNA position 3706, G replaced by A.
Protein change: p.Ala1236Thr; replaces alanine 1236 with threonine.
Molecular consequence: missense variant.
Genome position (GRCh38, 1-based): chr2:11,618,581, G>A. VCF-style: chr2-11618581-G-A. GRCh37 (hg19) VCF-style: chr2-11758707-G-A.
Other names: short protein forms A1236T.
Identifiers: ClinVar variation 777943 (VCV000777943.29), dbSNP rs202215699, ClinGen allele CA1532279.